The following is an entry in ClinVar:

NM_005327.7(HADH):c.819C>T (p.Ile273=)

Gene: HADH (hydroxyacyl-CoA dehydrogenase; plus strand). Cytogenetic location: 4q25.
Variant type: single nucleotide variant.
Coding change: c.819C>T on transcript NM_005327.7 (MANE Select); coding-DNA position 819, C replaced by T.
Protein change: p.Ile273=; no amino-acid change (isoleucine 273 retained).
Molecular consequence: synonymous variant.
Genome position (GRCh38, 1-based): chr4:108,033,285, C>T. VCF-style: chr4-108033285-C-T. GRCh37 (hg19) VCF-style: chr4-108954441-C-T.
Other names: c.870C>T, p.Ile290= (NM_001184705.4); c.831C>T, p.Ile277= (NM_001331027.2); c.870C>T (NM_001184705.2).
Identifiers: ClinVar variation 2166937 (VCV002166937.6), dbSNP rs754693316, ClinGen allele CA3037633.

ClinVar aggregate classification (germline): Likely benign. Review status: criteria provided, single submitter (1 of 4 stars). 2 submissions from 2 submitters: Likely benign (1). 1 of the submissions does not count toward it. Last evaluated 2025-10-23.

Conditions:
HADH-related disorder. Also called: HADH-related condition.
Deficiency of 3-hydroxyacyl-CoA dehydrogenase. Also called: 3-hydroxyacyl-CoA dehydrogenase deficiency; HADH DEFICIENCY. Identifiers: Orphanet 309127, Orphanet 71212, MedGen C1291230, MONDO:0017715, OMIM 231530.

Allele frequency attached by ClinVar (database versions not stated): gnomAD 0.00002; TOPMed 0.00002; ExAC 0.00004.
gnomAD v4.1: 43 of 1,502,732 alleles (0.0029%); highest among the groups gnomAD compares: South Asian, 0.032%; 1 homozygote.

Submissions (2):

Labcorp Genetics (formerly Invitae), Labcorp
Classification: Likely benign for Deficiency of 3-hydroxyacyl-CoA dehydrogenase. Last evaluated: 2025-10-23. Review status: criteria provided, single submitter. Criteria: Invitae Variant Classification Sherloc (09022015). Collection method: clinical testing. Allele origin: germline.

PreventionGenetics, part of Exact Sciences
Classification: Likely benign for HADH-related condition. Last evaluated: 2024-02-15. Review status: no assertion criteria provided. Collection method: clinical testing. Allele origin: germline. Not counted in ClinVar's aggregate classification.
Comment: This variant is classified as likely benign based on ACMG/AMP sequence variant interpretation guidelines (Richards et al. 2015 PMID: 25741868, with internal and published modifications).